The following continues an entry in ClinVar:

NM_000070.3(CAPN3):c.1250C>T (p.Thr417Met)

Gene: CAPN3. ClinVar aggregate classification (germline): Pathogenic. Pathogenic (1).

Submissions 12 to 19 of 19:

Women's Health and Genetics/Laboratory Corporation of America, LabCorp
Classification: Pathogenic for Autosomal recessive limb-girdle muscular dystrophy. Last evaluated: 2022-12-02. Review status: criteria provided, single submitter. Criteria: LabCorp Variant Classification Summary - May 2015. Collection method: clinical testing. Allele origin: germline. Not counted in ClinVar's aggregate classification.
Comment: Variant summary: CAPN3 c.1250C>T (p.Thr417Met) results in a non-conservative amino acid change located in the Peptidase C2, calpain, catalytic domain (IPR001300) of the encoded protein sequence. Five of five in-silico tools predict a damaging effect of the variant on protein function. The variant allele was found at a frequency of 5.2e-05 in 251420 control chromosomes. This frequency is not significantly higher than estimated for a pathogenic variant in CAPN3 causing Limb-Girdle Muscular Dystrophy, Autosomal Recessive (5.2e-05 vs 0.0032), allowing no conclusion about variant significance. c.1250C>T has been reported in the literature as biallelic genotypes in multiple individuals affected with Limb-Girdle Muscular Dystrophy, Autosomal Recessive (example, PMID: 15689361, 18258189, 25135358, 27447704, 34440373, 25079074, 16650086). These data indicate that the variant is very likely to be associated with disease. To our knowledge, no experimental evidence demonstrating an impact on protein function has been reported. Multiple clinical diagnostic laboratories have submitted clinical-significance assessments for this variant to ClinVar after 2014. All submitters classified the variant as pathogenic/likely pathogenic. Based on the evidence outlined above, the variant was classified as pathogenic.

Department of Pathology and Laboratory Medicine, Sinai Health System
Classification: Pathogenic for autosomal recessive limb-girdle muscular dystrophy. Last evaluated: 2022-06-27. Review status: criteria provided, single submitter. Criteria: ACMG Guidelines, 2015. Collection method: research. Allele origin: germline. Not counted in ClinVar's aggregate classification.

Mayo Clinic Laboratories, Mayo Clinic
Classification: Pathogenic. Last evaluated: 2021-04-30. Review status: criteria provided, single submitter. Criteria: ACMG Guidelines, 2015. Collection method: clinical testing. Allele origin: germline. Not counted in ClinVar's aggregate classification.
Comment: PS3, PM2, PS4_moderate, PP3, PP4

Athena Diagnostics
Classification: Pathogenic. Last evaluated: 2020-06-02. Review status: criteria provided, single submitter. Criteria: Athena Diagnostics Criteria. Collection method: clinical testing. Allele origin: unknown. Not counted in ClinVar's aggregate classification.
Comment: The frequency of this variant in the general population is consistent with pathogenicity. Predicted to have a damaging effect on the protein. This variant is statistically more frequent in affected individuals than in the general population and/or healthy controls. In multiple individuals, this variant has been seen with a single recessive pathogenic variant in the same gene, suggesting this variant may also be pathogenic. Assessment of experimental evidence suggests this variant results in abnormal protein function.

Broad Center for Mendelian Genomics, Broad Institute of MIT and Harvard
Classification: Pathogenic for Autosomal recessive limb-girdle muscular dystrophy type 2A. Last evaluated: 2018-12-03. Review status: criteria provided, single submitter. Criteria: ACMG Guidelines, 2015. Collection method: research. Allele origin: de novo. Inheritance: Autosomal recessive inheritance. Affected: yes. Not counted in ClinVar's aggregate classification.
Comment: Although this variant has been seen in the general population, its frequency is low enough to be consistent with a recessive carrier frequency. Computational prediction tools and conservation analyses suggest that this variant may impact the protein, though this information is not predictive enough to determine pathogenicity. Animal models in rats have shown that this variant impacts calcium binding for the protein and causes LGMD (PMID: 19226146). The presence of this variant in combination with 2 reported pathogenic variants, p.Thr184Argfs and p.Glu622Argfs, and in 2 individuals with LGMD increases the likelihood that the p.Thr417Met variant is pathogenic (Variation ID: 17621, 290296). This variant has also been reported pathogenic in ClinVar (Variation ID: 281505). In summary, this variant meets criteria to be classified as pathogenic for LGMD in an autosomal recessive manner based on the predicted impact of the variant, functional evidence, and multiple occurrences with pathogenic CAPN3 variants in individuals with LGMD. ACMG/AMP Criteria applied: PM2, PS2, PP3, PM3_Strong, PS3_Moderate (Richards 2015).

Eurofins Ntd Llc (ga)
Classification: Pathogenic. Last evaluated: 2017-04-12. Review status: criteria provided, single submitter. Criteria: EGL Classification Definitions 2015. Collection method: clinical testing. Allele origin: germline. Observed: 9 variant alleles, 8 heterozygotes, 1 homozygote. Not counted in ClinVar's aggregate classification.

Juno Genomics, Hangzhou Juno Genomics, Inc
Classification: Pathogenic for Muscular dystrophy, limb-girdle, autosomal dominant 4; Autosomal recessive limb-girdle muscular dystrophy type 2A. Review status: criteria provided, single submitter. Criteria: ACMG Guidelines, 2015. Collection method: clinical testing. Allele origin: germline. Not counted in ClinVar's aggregate classification.
Comment: Absent from controls (or at extremely low frequency if recessive) in Genome Aggregation Database.;For recessive disorders, detected in trans with a pathogenic variant.;Patient's phenotype or family history is highly specific for a disease with a single genetic etiology.;Multiple lines of computational evidence support a deleterious effect on the gene or gene product.

Counsyl
Classification: Likely pathogenic for Autosomal recessive limb-girdle muscular dystrophy type 2A. Last evaluated: 2017-03-01. Review status: no assertion criteria provided. Collection method: clinical testing. Allele origin: unknown. Not counted in ClinVar's aggregate classification.

Literature cited by the submitters: PubMed 16650086 (cited by 7 submitters); PubMed 20517216 (cited by Labcorp Genetics (formerly Invitae), Labcorp); PubMed 25079074 (cited by 6 submitters); PubMed 25135358 (cited by 5 submitters); PubMed 19226146 (cited by 6 submitters); PubMed 19556129 (cited by 3 submitters); PubMed 37526466 (cited by Natera, Inc.); PubMed 34440373 (cited by Women's Health and Genetics/Laboratory Corporation of America, LabCorp); PubMed 15689361 (cited by 3 submitters); PubMed 18258189 (cited by Women's Health and Genetics/Laboratory Corporation of America, LabCorp); PubMed 27447704 (cited by Women's Health and Genetics/Laboratory Corporation of America, LabCorp); PubMed 31788660 (cited by Mayo Clinic Laboratories, Mayo Clinic); PubMed 32668095 (cited by Mayo Clinic Laboratories, Mayo Clinic); PubMed 3258171 (cited by Mayo Clinic Laboratories, Mayo Clinic); PubMed 17702496 (cited by 3 submitters).